The following is an entry in ClinVar:

NM_000091.5(COL4A3):c.2621del (p.Gly874fs)

Genes: COL4A3 (collagen type IV alpha 3 chain; plus strand), MFF-DT (MFF divergent transcript; minus strand). Cytogenetic location: 2q36.3.
Variant type: Deletion.
Coding change: c.2621del on transcript NM_000091.5 (MANE Select); coding-DNA position 2621, one base deleted (G; older notation c.2621delG).
Protein change: p.Gly874fs; shifts the reading frame from glycine 874.
Molecular consequence: frameshift variant.
Genome position (GRCh38, 1-based): chr2:227,282,497, G deleted; the last of 2 consecutive G bases (chr2:227,282,496-227,282,497); deleting either gives the same sequence. VCF-style (leftmost placement, unchanged base first): chr2-227282495-AG-A. GRCh37 (hg19) VCF-style: chr2-228147211-AG-A.
Other names: c.2621del (NM_000091.4); short protein forms G874fs.
Identifiers: ClinVar variation 870355 (VCV000870355.5), dbSNP rs759043857, ClinGen allele CA2146963.

ClinVar aggregate classification (germline): Likely pathogenic. Review status: criteria provided, multiple submitters, no conflicts (2 of 4 stars). 3 submissions from 3 submitters: Likely pathogenic (2). 1 of the submissions does not count toward it. Last evaluated 2021-06-30.

Conditions:
Autosomal dominant Alport syndrome (ATS3A). Also called: ALPORT SYNDROME 3A, AUTOSOMAL DOMINANT; Alport syndrome dominant type; Renal failure and sensorineural hearing loss. Identifiers: Orphanet 63, Orphanet 88918, MedGen C5882663, MONDO:0007086, OMIM 104200.
Autosomal recessive Alport syndrome (ATS2). Also called: Alport syndrome type 2; ALPORT SYNDROME 2, AUTOSOMAL RECESSIVE; COL4A3-Related Nephropathy; COL4A4 Alport Syndrome and Thin Basement Membrane Nephropathy. Identifiers: Orphanet 63, Orphanet 88919, MedGen C4746745, MONDO:0008762, OMIM 203780.
Benign familial hematuria. Also called: thin basement membrane disease. Identifiers: MedGen C0241908, MONDO:0957317.
Nephrotic syndrome. Identifiers: MedGen C0027726, MONDO:0005377, HP:0000100.

Submissions (3):

Fulgent Genetics
Classification: Likely pathogenic for Autosomal dominant Alport syndrome; Hematuria, benign familial, 1; Autosomal recessive Alport syndrome. Last evaluated: 2021-06-30. Review status: criteria provided, single submitter. Criteria: ACMG Guidelines, 2015. Collection method: clinical testing. Allele origin: unknown.
Comment: This variant has been detected in individual(s) who were sent for testing of Renasight - kidney gene panel.

Medical Genetics, University of Parma
Classification: Likely pathogenic for Autosomal recessive Alport syndrome. Last evaluated: 2020-03-11. Review status: criteria provided, single submitter. Criteria: ACMG Guidelines, 2015. Collection method: clinical testing. Allele origin: germline. Affected: yes.

Sydney Genome Diagnostics, Children's Hospital Westmead
Classification: Pathogenic for Nephrotic syndrome. Last evaluated: 2018-03-06. Review status: no assertion criteria provided. Collection method: clinical testing. Allele origin: unknown. Affected: yes. Observed: 1 variant allele, 1 heterozygote. Not counted in ClinVar's aggregate classification.